The following is an entry in ClinVar:

ClinVar aggregate classification (germline): Uncertain significance (1 of 4 stars; one submission).

Conditions:
Pigmentary pallidal degeneration (NBIA1). Also called: Pantothenate Kinase-Associated Neurodegeneration; Neuroaxonal dystrophy, late infantile; Hallervorden-Spatz disease; HARP SYNDROME; PKAN NEUROAXONAL DYSTROPHY, JUVENILE-ONSET; Neurodegeneration with brain iron accumulation 1. Identifiers: Orphanet 157850, MedGen C0018523, MONDO:0009319, OMIM 234200.

Allele frequency attached by ClinVar (database versions not stated): gnomAD exomes below 0.00001.
gnomAD v4.1: 1 of 1,614,166 alleles (0.000062%); highest among the groups gnomAD compares: Admixed American, 0.0017%; no homozygotes.

Submission:

Labcorp Genetics (formerly Invitae), Labcorp
Classification: Uncertain significance for Pigmentary pallidal degeneration. Last evaluated: 2024-12-09. Review status: criteria provided, single submitter. Criteria: Invitae Variant Classification Sherloc (09022015). Collection method: clinical testing. Allele origin: germline.
Comment: This sequence change replaces threonine, which is neutral and polar, with alanine, which is neutral and non-polar, at codon 426 of the PANK2 protein (p.Thr426Ala). This variant is present in population databases (no rsID available, gnomAD 0.003%). This variant has not been reported in the literature in individuals affected with PANK2-related conditions. ClinVar contains an entry for this variant (Variation ID: 2076236). Invitae Evidence Modeling of protein sequence and biophysical properties (such as structural, functional, and spatial information, amino acid conservation, physicochemical variation, residue mobility, and thermodynamic stability) indicates that this missense variant is expected to disrupt PANK2 protein function with a positive predictive value of 95%. In summary, the available evidence is currently insufficient to determine the role of this variant in disease. Therefore, it has been classified as a Variant of Uncertain Significance.

NM_001386393.1(PANK2):c.946A>G (p.Thr316Ala)

Gene: PANK2 (pantothenate kinase 2; plus strand). Cytogenetic location: 20p13.
Variant type: single nucleotide variant.
Coding change: c.946A>G on transcript NM_001386393.1 (MANE Select); coding-DNA position 946, A replaced by G.
Protein change: p.Thr316Ala; replaces threonine 316 with alanine.
Molecular consequence: missense variant. On other transcripts: 5 prime UTR variant (1), non-coding transcript variant (1).
Genome position (GRCh38, 1-based): chr20:3,912,498, A>G. VCF-style: chr20-3912498-A-G. GRCh37 (hg19) VCF-style: chr20-3893145-A-G.
Other names: c.403A>G, p.Thr135Ala (NM_001324191.2, NM_024960.6, NM_153640.4); c.-33A>G (NM_001324193.2); c.1276A>G, p.Thr426Ala (NM_153638.4); short protein forms T135A, T316A, T426A.
Identifiers: ClinVar variation 2076236 (VCV002076236.4), dbSNP rs1189480321, ClinGen allele CA408117352.